The following is an entry in ClinVar:

ClinVar aggregate classification (germline): Likely pathogenic (1 of 4 stars; one submission).

Conditions:
Dilated cardiomyopathy 1G (CMD1G). Identifiers: Orphanet 154, MedGen C1858763, MONDO:0011400, OMIM 604145.
Autosomal recessive limb-girdle muscular dystrophy type 2J (LGMDR10). Also called: Limb-girdle muscular dystrophy, type 2J; MUSCULAR DYSTROPHY, LIMB-GIRDLE, AUTOSOMAL RECESSIVE 10. Identifiers: Orphanet 140922, MedGen C1837342, MONDO:0012127, OMIM 608807.

Submission:

Labcorp Genetics (formerly Invitae), Labcorp
Classification: Likely pathogenic for Dilated cardiomyopathy 1G; Autosomal recessive limb-girdle muscular dystrophy type 2J. Last evaluated: 2024-09-24. Review status: criteria provided, single submitter. Criteria: Invitae Variant Classification Sherloc (09022015). Collection method: clinical testing. Allele origin: germline.
Comment: This sequence change creates a premature translational stop signal (p.Leu4206*) in the TTN gene. While this is not anticipated to result in nonsense mediated decay, it is expected to create a truncated TTN protein. This variant is not present in population databases (gnomAD no frequency). This variant has not been reported in the literature in individuals affected with TTN-related conditions. This variant is located in the I band of TTN (PMID: 25589632). Truncating variants in this region have been reported in individuals affected with autosomal recessive centronuclear myopathy (PMID: 23975875, internal data). Truncating variants in this region have also been identified in individuals affected with autosomal dominant dilated cardiomyopathy and/or cardio-related conditions (PMID: 27869827, 32964742, internal data). In summary, the currently available evidence indicates that the variant is pathogenic, but additional data are needed to prove that conclusively. Therefore, this variant has been classified as Likely Pathogenic.

Literature cited by the submitters: PubMed 25589632; PubMed 23975875; PubMed 27869827; PubMed 32964742.

NM_001267550.2(TTN):c.12617T>G (p.Leu4206Ter)

Gene: TTN (titin; minus strand). Cytogenetic location: 2q31.2.
Variant type: single nucleotide variant.
Coding change: c.12617T>G on transcript NM_001267550.2 (MANE Select); coding-DNA position 12617, T replaced by G.
Protein change: p.Leu4206Ter; replaces leucine 4206 with a stop codon.
Molecular consequence: nonsense. On other transcripts: intron variant (1).
Genome position (GRCh38, 1-based): chr2:178,740,616, A>C on the plus strand (T>G on the coding strand, the complement: TTN is on the minus strand). VCF-style: chr2-178740616-A-C. GRCh37 (hg19) VCF-style: chr2-179605343-A-C.
Other names: c.11666T>G, p.Leu3889Ter (NM_001256850.1); c.11528T>G, p.Leu3843Ter (NM_003319.4); c.11903T>G, p.Leu3968Ter (NM_133432.3); c.12104T>G, p.Leu4035Ter (NM_133437.4); c.10361-2256T>G (NM_133378.4); short protein forms L3843*, L3889*, L3968*, L4035*, L4206*.
Identifiers: ClinVar variation 3759223 (VCV003759223.2).